The following is an entry in ClinVar:

NM_002292.4(LAMB2):c.3690_3697del (p.Ser1230fs)

Gene: LAMB2 (laminin subunit beta 2; minus strand). Cytogenetic location: 3p21.31.
Variant type: Deletion.
Coding change: c.3690_3697del on transcript NM_002292.4 (MANE Select); coding-DNA positions 3690 to 3697, 8 bases deleted (CTTCTGGC; older notation c.3690_3697delCTTCTGGC).
Protein change: p.Ser1230fs; shifts the reading frame from serine 1230.
Molecular consequence: frameshift variant.
Genome position (GRCh38, 1-based): chr3:49,123,828-49,123,835, GCCAGAAG deleted on the plus strand (CTTCTGGC on the coding strand, the reverse complement: LAMB2 is on the minus strand). VCF-style (leftmost placement, unchanged base first): chr3-49123827-TGCCAGAAG-T. GRCh37 (hg19) VCF-style: chr3-49161260-TGCCAGAAG-T.
Other names: short protein forms S1230fs.
Identifiers: ClinVar variation 2021063 (VCV002021063.4), dbSNP rs2472536768, ClinGen allele CA2580069989.

ClinVar aggregate classification (germline): Pathogenic (1 of 4 stars; one submission).

Conditions:
Pierson syndrome. Also called: MICROCORIA-CONGENITAL NEPHROTIC SYNDROME. Identifiers: Orphanet 2670, MedGen C1836876, MONDO:0012184, OMIM 609049.
LAMB2-related infantile-onset nephrotic syndrome. Also called: Nephrotic Syndrome, type 5; NEPHROTIC SYNDROME, TYPE 5, WITHOUT OCULAR ABNORMALITIES; NEPHROTIC SYNDROME, TYPE 5, WITH OCULAR ABNORMALITIES. Identifiers: Orphanet 306507, MedGen C3280113, MONDO:0013621, OMIM 614199.

Submission:

Labcorp Genetics (formerly Invitae), Labcorp
Classification: Pathogenic for LAMB2-related infantile-onset nephrotic syndrome; Pierson syndrome. Last evaluated: 2022-10-07. Review status: criteria provided, single submitter. Criteria: Invitae Variant Classification Sherloc (09022015). Collection method: clinical testing. Allele origin: germline.
Comment: For these reasons, this variant has been classified as Pathogenic. This variant has not been reported in the literature in individuals affected with LAMB2-related conditions. This variant is not present in population databases (gnomAD no frequency). This sequence change creates a premature translational stop signal (p.Ser1230Argfs*36) in the LAMB2 gene. It is expected to result in an absent or disrupted protein product. Loss-of-function variants in LAMB2 are known to be pathogenic (PMID: 15367484).

Literature cited by the submitters: PubMed 15367484.